The following is an entry in ClinVar:

NM_002691.4(POLD1):c.487G>T (p.Asp163Tyr)

Gene: POLD1 (DNA polymerase delta 1, catalytic subunit; plus strand). Cytogenetic location: 19q13.33.
Variant type: single nucleotide variant.
Coding change: c.487G>T on transcript NM_002691.4 (MANE Select); coding-DNA position 487, G replaced by T.
Protein change: p.Asp163Tyr; replaces aspartic acid 163 with tyrosine.
Molecular consequence: missense variant. On other transcripts: non-coding transcript variant (1).
Genome position (GRCh38, 1-based): chr19:50,402,022, G>T. VCF-style: chr19-50402022-G-T. GRCh37 (hg19) VCF-style: chr19-50905279-G-T.
Other names: c.487G>T, p.Asp163Tyr (NM_001256849.1, NM_001308632.1); c.487G>T (NM_002691.2); short protein forms D163Y.
Identifiers: ClinVar variation 517194 (VCV000517194.11), dbSNP rs753299061, ClinGen allele CA406972977.

ClinVar aggregate classification (germline): Conflicting classifications of pathogenicity. Review status: criteria provided, conflicting classifications (1 of 4 stars). 3 submissions from 3 submitters: Uncertain significance (2); Likely benign (1). Last evaluated 2025-01-16.

Conditions:
Hereditary cancer-predisposing syndrome. Also called: Tumor predisposition; Hereditary Cancer Syndrome; Hereditary neoplastic syndrome; Neoplastic Syndromes, Hereditary. Identifiers: Orphanet 140162, MedGen C0027672, MeSH D009386, MONDO:0015356.
POLD1-related polyposis and colorectal cancer syndrome (CRCS10). Also called: Colorectal cancer 10; COLORECTAL CANCER, SUSCEPTIBILITY TO, ON CHROMOSOME 19q; Colorectal cancer, susceptibility to, 10. Identifiers: Orphanet 220460, MedGen C2675481, MONDO:0012953, OMIM 612591.

Submissions (3):

Ambry Genetics
Classification: Likely benign for Hereditary cancer-predisposing syndrome. Last evaluated: 2025-01-16. Review status: criteria provided, single submitter. Criteria: Ambry Variant Classification Scheme 2023. Collection method: clinical testing. Allele origin: germline.

Labcorp Genetics (formerly Invitae), Labcorp
Classification: Uncertain significance for POLD1-related polyposis and colorectal cancer syndrome. Last evaluated: 2023-10-22. Review status: criteria provided, single submitter. Criteria: Invitae Variant Classification Sherloc (09022015). Collection method: clinical testing. Allele origin: germline.
Comment: This sequence change replaces aspartic acid, which is acidic and polar, with tyrosine, which is neutral and polar, at codon 163 of the POLD1 protein (p.Asp163Tyr). This variant is not present in population databases (gnomAD no frequency). This variant has not been reported in the literature in individuals affected with POLD1-related conditions. ClinVar contains an entry for this variant (Variation ID: 517194). Advanced modeling of protein sequence and biophysical properties (such as structural, functional, and spatial information, amino acid conservation, physicochemical variation, residue mobility, and thermodynamic stability) performed at Invitae indicates that this missense variant is not expected to disrupt POLD1 protein function. In summary, the available evidence is currently insufficient to determine the role of this variant in disease. Therefore, it has been classified as a Variant of Uncertain Significance.

Laboratory for Molecular Medicine, Mass General Brigham Personalized Medicine
Classification: Uncertain significance. Last evaluated: 2016-12-08. Review status: criteria provided, single submitter. Criteria: LMM Criteria. Collection method: clinical testing. Allele origin: germline. Observed: 1 variant allele.
Comment: The p.Asp163Tyr variant in POLD1 has not been previously reported in individuals with colorectal cancer and was absent from large population studies. Computatio nal prediction tools and conservation analysis do not provide strong support for or against an impact to the protein. In summary, the clinical significance of t he p.Asp163Tyr variant is uncertain.